The following is an entry in ClinVar:

ClinVar aggregate classification (germline): Likely benign. Review status: criteria provided, multiple submitters, no conflicts (2 of 4 stars). 2 submissions from 2 submitters: Likely benign (2). Last evaluated 2025-09-14.

Allele frequency attached by ClinVar (database versions not stated): gnomAD 0.00009 and 0.00010; TOPMed 0.00009; 1000 Genomes Project 30x 0.00016; gnomAD exomes 0.00017; 1000 Genomes Project 0.00020; ExAC 0.00021; ESP Exome Variant Server 0.00023.
gnomAD v4.1: 216 of 1,613,732 alleles (0.013%); highest among the groups gnomAD compares: South Asian, 0.098%; 1 homozygote.

Submissions (2):

Labcorp Genetics (formerly Invitae), Labcorp
Classification: Likely benign. Last evaluated: 2025-09-14. Review status: criteria provided, single submitter. Criteria: Invitae Variant Classification Sherloc (09022015). Collection method: clinical testing. Allele origin: germline.

CeGaT Center for Human Genetics Tuebingen
Classification: Likely benign. Last evaluated: 2023-01-01. Review status: criteria provided, single submitter. Criteria: CeGaT Center For Human Genetics Tuebingen Variant Classification Criteria Version 2. Collection method: clinical testing. Allele origin: germline. Affected: yes. Observed: 1 variant allele.
Comment: HSPG2: BP4, BP7

NM_005529.7(HSPG2):c.7059G>A (p.Ala2353=)

Gene: HSPG2 (heparan sulfate proteoglycan 2; minus strand). Cytogenetic location: 1p36.12.
Variant type: single nucleotide variant.
Coding change: c.7059G>A on transcript NM_005529.7 (MANE Select); coding-DNA position 7059, G replaced by A.
Protein change: p.Ala2353=; no amino-acid change (alanine 2353 retained).
Molecular consequence: synonymous variant.
Genome position (GRCh38, 1-based): chr1:21,851,645, C>T on the plus strand (G>A on the coding strand, the complement: HSPG2 is on the minus strand). VCF-style: chr1-21851645-C-T. GRCh37 (hg19) VCF-style: chr1-22178138-C-T.
Other names: c.7062G>A, p.Ala2354= (NM_001291860.2).
Identifiers: ClinVar variation 751125 (VCV000751125.31), dbSNP rs374337096, ClinGen allele CA671322.
Genomic context (GRCh38, chr1:21,851,645, plus strand): 5'-CGTGACCTGGGCATGGGACTGCCCGGGCACCACGCAGTTCAGATCCAGGGTCTGCCCTTC[C>T]GCCACTTGCGAGGAGGAGGGCTCGATGCGGATGGGCTGGGTGCTGCCGGCAGCTGAGGGA-3'
Protein context (NP_005520.4, residues 2343-2363): IRIEPSSSQV[Ala2353=]EGQTLDLNCV